The following is an entry in ClinVar:

NM_018684.4(ZC4H2):c.151G>A (p.Glu51Lys)

Gene: ZC4H2 (zinc finger C4H2-type containing; minus strand). Cytogenetic location: Xq11.2.
Variant type: single nucleotide variant.
Coding change: c.151G>A on transcript NM_018684.4 (MANE Select); coding-DNA position 151, G replaced by A.
Protein change: p.Glu51Lys; replaces glutamic acid 51 with lysine.
Molecular consequence: missense variant. On other transcripts: non-coding transcript variant (1).
Genome position (GRCh38, 1-based): chrX:64,921,891, C>T on the plus strand (G>A on the coding strand, the complement: ZC4H2 is on the minus strand). VCF-style: chrX-64921891-C-T. GRCh37 (hg19) VCF-style: chrX-64141771-C-T.
Other names: c.82G>A, p.Glu28Lys (NM_001178032.3, NM_001243804.2); c.151G>A, p.Glu51Lys (NM_001178033.3); short protein forms E28K, E51K.
Identifiers: ClinVar variation 4730018 (VCV004730018.1).

ClinVar aggregate classification (germline): Uncertain significance (1 of 4 stars; one submission).

Submission:

Labcorp Genetics (formerly Invitae), Labcorp
Classification: Uncertain significance. Last evaluated: 2025-10-27. Review status: criteria provided, single submitter. Criteria: Invitae Variant Classification Sherloc (09022015). Collection method: clinical testing. Allele origin: germline.
Comment: This sequence change replaces glutamic acid, which is acidic and polar, with lysine, which is basic and polar, at codon 51 of the ZC4H2 protein (p.Glu51Lys). This variant is not present in population databases (gnomAD no frequency). This variant has not been reported in the literature in individuals affected with ZC4H2-related conditions. An algorithm developed to predict the effect of missense changes on protein structure and function (PolyPhen-2) suggests that this variant is likely to be disruptive. In summary, the available evidence is currently insufficient to determine the role of this variant in disease. Therefore, it has been classified as a Variant of Uncertain Significance.